The following is an entry in ClinVar:

ClinVar aggregate classification (germline): Uncertain significance (1 of 4 stars; one submission).

Conditions:
Hereditary spastic paraplegia 28. Also called: Spastic paraplegia 28, autosomal recessive. Identifiers: Orphanet 101008, MedGen C1836295, MONDO:0012256, OMIM 609340.

Allele frequency attached by ClinVar (database versions not stated): gnomAD exomes below 0.00001.

Submission:

Labcorp Genetics (formerly Invitae), Labcorp
Classification: Uncertain significance for Hereditary spastic paraplegia 28. Last evaluated: 2018-10-03. Review status: criteria provided, single submitter. Criteria: Invitae Variant Classification Sherloc (09022015). Collection method: clinical testing. Allele origin: germline.
Comment: This sequence change replaces valine with alanine at codon 634 of the DDHD1 protein (p.Val634Ala). The valine residue is highly conserved and there is a small physicochemical difference between valine and alanine. This variant is not present in population databases (ExAC no frequency). In summary, the available evidence is currently insufficient to determine the role of this variant in disease. Therefore, it has been classified as a Variant of Uncertain Significance. Algorithms developed to predict the effect of missense changes on protein structure and function (SIFT, PolyPhen-2, Align-GVGD) all suggest that this variant is likely to be disruptive, but these predictions have not been confirmed by published functional studies and their clinical significance is uncertain. This variant has not been reported in the literature in individuals with DDHD1-related disease.

NM_001160148.2(DDHD1):c.1880T>C (p.Val627Ala)

Gene: DDHD1 (DDHD domain containing 1; minus strand). Cytogenetic location: 14q22.1.
Variant type: single nucleotide variant.
Coding change: c.1880T>C on transcript NM_001160148.2 (MANE Select); coding-DNA position 1880, T replaced by C.
Protein change: p.Val627Ala; replaces valine 627 with alanine.
Molecular consequence: missense variant.
Genome position (GRCh38, 1-based): chr14:53,058,589, A>G on the plus strand (T>C on the coding strand, the complement: DDHD1 is on the minus strand). VCF-style: chr14-53058589-A-G. GRCh37 (hg19) VCF-style: chr14-53525307-A-G.
Other names: c.1901T>C, p.Val634Ala (NM_001160147.2); c.1880T>C, p.Val627Ala (NM_030637.3); short protein forms V634A, V627A.
Identifiers: ClinVar variation 641826 (VCV000641826.8), dbSNP rs1595096181, ClinGen allele CA389772754.